The following is an entry in ClinVar:

NM_005121.3(MED13):c.3731A>G (p.Asp1244Gly)

Gene: MED13 (mediator complex subunit 13; minus strand). Cytogenetic location: 17q23.2.
Variant type: single nucleotide variant.
Coding change: c.3731A>G on transcript NM_005121.3 (MANE Select); coding-DNA position 3731, A replaced by G.
Protein change: p.Asp1244Gly; replaces aspartic acid 1244 with glycine.
Molecular consequence: missense variant.
Genome position (GRCh38, 1-based): chr17:61,982,272, T>C on the plus strand (A>G on the coding strand, the complement: MED13 is on the minus strand). VCF-style: chr17-61982272-T-C. GRCh37 (hg19) VCF-style: chr17-60059633-T-C.
Other names: short protein forms D1244G.
Identifiers: ClinVar variation 4883304 (VCV004883304.2).

ClinVar aggregate classification (germline): Uncertain significance (1 of 4 stars; one submission).

Conditions:
Intellectual developmental disorder 61. Also called: MENTAL RETARDATION, AUTOSOMAL DOMINANT 61; INTELLECTUAL DEVELOPMENTAL DISORDER, AUTOSOMAL DOMINANT 61. Identifiers: MedGen C5231400, MONDO:0032485, OMIM 618009.

Submission:

Dasa
Classification: Uncertain significance for Intellectual developmental disorder 61. Last evaluated: 2024-10-11. Review status: criteria provided, single submitter. Criteria: DASA Assertion Criteria. Collection method: clinical testing. Allele origin: germline.
Comment: NM_005121.3(MED13):c.3731A>G (p.Asp1244Gly) is a missense variant that results in the substitution of aspartic acid with glycine. This variant is absent from population databases. Computational prediction algorithms are consistent with a deleterious effect. The currently available literature and clinical evidence are not sufficient to establish a definitive association between this variant and the reported condition. Therefore, this variant is classified as a variant of uncertain significance.